The following is an entry in ClinVar:

Conditions:
Breast-ovarian cancer, familial, susceptibility to, 1 (BROVCA1). Also called: BRCA1 Hereditary Breast and Ovarian Cancer; OVARIAN CANCER, SUSCEPTIBILITY TO. Identifiers: Orphanet 145, MedGen C2676676, MONDO:0011450, OMIM 604370. Disease mechanism: loss of function.

Submission:

Brotman Baty Institute, University of Washington
No classification provided (evidence only). Condition: Breast-ovarian cancer, familial 1. Review status: no classification provided. Collection method: in vitro. Allele origin: not applicable. Functional consequence: functionally_normal.
ClinVar note: "not provided" was previously submitted as the classification for the variant. However, the classification appeared to be based only on an observation of functional data so it was converted to no classification on 2025-07-30.

NM_007294.4(BRCA1):c.5254G>T (p.Ala1752Ser)

Gene: BRCA1 (BRCA1 DNA repair associated; minus strand). Cytogenetic location: 17q21.31.
Variant type: single nucleotide variant.
Coding change: c.5254G>T on transcript NM_007294.4 (MANE Select); coding-DNA position 5254, G replaced by T.
Protein change: p.Ala1752Ser; replaces alanine 1752 with serine.
Molecular consequence: missense variant. On other transcripts: non-coding transcript variant (1).
Genome position (GRCh38, 1-based): chr17:43,057,075, C>A on the plus strand (G>T on the coding strand, the complement: BRCA1 is on the minus strand). VCF-style: chr17-43057075-C-A. GRCh37 (hg19) VCF-style: chr17-41209092-C-A.
Other names: c.1801G>T, p.Ala601Ser (NM_001408467.1, NM_001408458.1, NM_001408459.1 and 7 more transcripts); c.1798G>T, p.Ala600Ser (NM_001408468.1, NM_001408469.1, NM_001408470.1); c.1942G>T, p.Ala648Ser (NM_001408472.1, NM_007298.4, NM_007299.4 and 13 more transcripts); c.1939G>T, p.Ala647Ser (NM_001408473.1, NM_001408392.1, NM_001408396.1 and 8 more transcripts); c.1744G>T, p.Ala582Ser (NM_001408474.1); c.1741G>T, p.Ala581Ser (NM_001408475.1, NM_001408476.1); c.1732G>T, p.Ala578Ser (NM_001408491.1, NM_001408481.1, NM_001408482.1 and 5 more transcripts); c.1729G>T, p.Ala577Ser (NM_001408492.1, NM_001408493.1); and 72 more; short protein forms A1705S, A1752S, A1773S, A648S, A582S, A608S, A609S, A647S.
Identifiers: ClinVar variation 868229 (VCV000868229.3), dbSNP rs80357074, ClinGen allele CA10591043.